The following is an entry in ClinVar:

NM_000059.4(BRCA2):c.3994C>G (p.His1332Asp)

Gene: BRCA2 (BRCA2 DNA repair associated; plus strand). Cytogenetic location: 13q13.1.
Variant type: single nucleotide variant.
Coding change: c.3994C>G on transcript NM_000059.4 (MANE Select); coding-DNA position 3994, C replaced by G.
Protein change: p.His1332Asp; replaces histidine 1332 with aspartic acid.
Molecular consequence: missense variant.
Genome position (GRCh38, 1-based): chr13:32,338,349, C>G. VCF-style: chr13-32338349-C-G. GRCh37 (hg19) VCF-style: chr13-32912486-C-G.
Other names: short protein forms H1332D.
Identifiers: ClinVar variation 422736 (VCV000422736.21), dbSNP rs863224588, ClinGen allele CA16619701.

ClinVar aggregate classification (germline): Conflicting classifications of pathogenicity. Review status: criteria provided, conflicting classifications (1 of 4 stars). 7 submissions from 7 submitters: Uncertain significance (5); Likely benign (1). 1 of the submissions does not count toward it. Last evaluated 2024-02-02.

Conditions:
Hereditary cancer-predisposing syndrome. Also called: Hereditary neoplastic syndrome; Neoplastic Syndromes, Hereditary; Tumor predisposition; Hereditary Cancer Syndrome. Identifiers: Orphanet 140162, MedGen C0027672, MeSH D009386, MONDO:0015356.
Hereditary breast ovarian cancer syndrome. Also called: BRCA1- and BRCA2-Associated Hereditary Breast and Ovarian Cancer; Hereditary breast and/or ovarian cancer syndrome; Hereditary breast and ovarian cancer syndrome; Hereditary breast and ovarian cancer; Hereditary breast and ovarian cancer syndrome (HBOC); Breast and ovarian cancer. Identifiers: Orphanet 145, MedGen C0677776, MeSH D061325, MONDO:0003582. Disease mechanism: loss of function.
Malignant tumor of breast. Also called: Malignant breast neoplasm; Cancer breast. Identifiers: MedGen C0006142, MONDO:0007254. Disease mechanism: loss of function.

Submissions (7):

Labcorp Genetics (formerly Invitae), Labcorp
Classification: Uncertain significance for Hereditary breast ovarian cancer syndrome. Last evaluated: 2024-02-02. Review status: criteria provided, single submitter. Criteria: Invitae Variant Classification Sherloc (09022015). Collection method: clinical testing. Allele origin: germline.
Comment: This sequence change replaces histidine, which is basic and polar, with aspartic acid, which is acidic and polar, at codon 1332 of the BRCA2 protein (p.His1332Asp). This variant is not present in population databases (gnomAD no frequency). This variant has not been reported in the literature in individuals affected with BRCA2-related conditions. ClinVar contains an entry for this variant (Variation ID: 422736). Advanced modeling of protein sequence and biophysical properties (such as structural, functional, and spatial information, amino acid conservation, physicochemical variation, residue mobility, and thermodynamic stability) performed at Invitae indicates that this missense variant is not expected to disrupt BRCA2 protein function with a negative predictive value of 95%. In summary, the available evidence is currently insufficient to determine the role of this variant in disease. Therefore, it has been classified as a Variant of Uncertain Significance.

Ambry Genetics
Classification: Uncertain significance for Hereditary cancer-predisposing syndrome. Last evaluated: 2024-01-11. Review status: criteria provided, single submitter. Criteria: Ambry Variant Classification Scheme 2023. Collection method: clinical testing. Allele origin: germline.
Comment: The p.H1332D variant (also known as c.3994C>G), located in coding exon 10 of the BRCA2 gene, results from a C to G substitution at nucleotide position 3994. The histidine at codon 1332 is replaced by aspartic acid, an amino acid with similar properties. This amino acid position is poorly conserved in available vertebrate species. In addition, this alteration is predicted to be tolerated by in silico analysis. Since supporting evidence is limited at this time, the clinical significance of this alteration remains unclear.

University of Washington Department of Laboratory Medicine, University of Washington
Classification: Likely benign for Hereditary cancer-predisposing syndrome. Last evaluated: 2023-03-23. Review status: criteria provided, single submitter. Criteria: Dines et al. (Genet Med. 2020). Collection method: curation. Allele origin: germline.
Comment: Missense variant in a coldspot region where missense variants are very unlikely to be pathogenic (PMID:31911673).

BRCA2 exon 11 coldspot. Reclassification based on statistical prior probability.

Color Diagnostics, LLC DBA Color Health
Classification: Uncertain significance for Hereditary cancer-predisposing syndrome. Last evaluated: 2019-05-30. Review status: criteria provided, single submitter. Criteria: ACMG Guidelines, 2015. Collection method: clinical testing. Allele origin: germline.

Women's Health and Genetics/Laboratory Corporation of America, LabCorp
Classification: Uncertain significance. Last evaluated: 2017-06-12. Review status: criteria provided, single submitter. Criteria: LabCorp Variant Classification Summary - May 2015. Collection method: clinical testing. Allele origin: germline.
Comment: Variant summary: The BRCA2 c.3994C>G (p.His1332Asp) variant involves the alteration of a non-conserved nucleotide, resulting in a missense substitution that does not lie within a known functional domain (InterPro). 3/5 in silico tools predict a benign outcome for this variant. This variant is absent from the large control database ExAC (0/112012 control chromosomes). One clinical diagnostic laboratory has classified this variant as one of uncertain significance. To our knowledge, the variant of interest has not been reported in affected individuals via publications, nor has it been evaluated for functional impact by in vivo/vitro studies. Because of the absence of clinical information and the lack of functional studies, the variant is classified as a variant of uncertain significance (VUS) until additional information becomes available.

GeneDx
Classification: Uncertain significance. Last evaluated: 2016-11-11. Review status: criteria provided, single submitter. Criteria: GeneDx Variant Classification (06012015). Collection method: clinical testing. Allele origin: germline. Affected: yes.
Comment: This variant is denoted BRCA2 c.3994C>G at the cDNA level, p.His1332Asp (H1332D) at the protein level, and results in the change of a Histidine to an Aspartic Acid (CAT>GAT). Using alternate nomenclature, this variant would be defined as BRCA2 4222C>G. This variant has not, to our knowledge, been published in the literature as pathogenic or benign. BRCA2 His1332Asp was not observed in approximately 6,500 individuals of European and African American ancestry in the NHLBI Exome Sequencing Project, suggesting it is not a common benign variant in these populations. Since Histidine and Aspartic Acid differ in polarity, charge, size or other properties, this is considered a non-conservative amino acid substitution. BRCA2 His1332Asp occurs at a position that is not conserved and is located in the RAD51 binding domain (Roy 2012). In silico analyses predict that this variant is unlikely to alter protein structure or function. Based on currently available evidence, it is unclear whether BRCA2 His1332Asp is a pathogenic or benign variant. We consider it to be a variant of uncertain significance.

Department of Pathology and Laboratory Medicine, Sinai Health System
Classification: Uncertain significance for Malignant tumor of breast. Review status: no assertion criteria provided. Collection method: clinical testing. Allele origin: unknown. Affected: yes. Observed: 1 variant allele. Study: The Canadian Open Genetics Repository (COGR). Not counted in ClinVar's aggregate classification.
Comment: The BRCA2 p.His1332Asp variant was not identified in the literature, nor was it identified in the dbSNP, the 1000 Genomes Project , NHLBI Exome Sequencing Project, the Exome Aggregation Consortium database (March 14, 2016), Fanconi Anemia Mutation Database (LOVD), COSMIC, ClinVar, Clinvitae, ARUP Laboratories BRCA Mutations Database, GeneInsight COGR, BIC or UMD. The p.His1332 residue is not conserved in mammals and four out of five computational analyses (PolyPhen-2, SIFT, AlignGVGD, BLOSUM, MutationTaster) do not suggest a high likelihood of impact to the protein; however, this information is not predictive enough to rule out pathogenicity. The variant occurs outside of the splicing consensus sequence and in silico or computational prediction software programs (SpliceSiteFinder, MaxEntScan, NNSPLICE, GeneSplicer, HumanSpliceFinder) do not predict a difference in splicing. In summary, based on the above information, the clinical significance of this variant cannot be determined with certainty at this time. This variant is classified as a variant of uncertain significance.